The following is an entry in ClinVar:

NM_007194.4(CHEK2):c.509T>G (p.Val170Gly)

Gene: CHEK2 (checkpoint kinase 2; minus strand). Cytogenetic location: 22q12.1.
Variant type: single nucleotide variant.
Coding change: c.509T>G on transcript NM_007194.4 (MANE Select); coding-DNA position 509, T replaced by G.
Protein change: p.Val170Gly; replaces valine 170 with glycine.
Molecular consequence: missense variant. On other transcripts: 5 prime UTR variant (2), intron variant (1).
Genome position (GRCh38, 1-based): chr22:28,725,060, A>C on the plus strand (T>G on the coding strand, the complement: CHEK2 is on the minus strand). VCF-style: chr22-28725060-A-C. GRCh37 (hg19) VCF-style: chr22-29121048-A-C.
Other names: c.638T>G, p.Val213Gly (NM_001005735.3, NM_001438294.1); c.-269T>G (NM_001257387.3); c.-155T>G (NM_001437942.1); c.602T>G, p.Val201Gly (NM_001438293.1, NM_001438295.1); c.509T>G, p.Val170Gly (NM_145862.3); c.445-137T>G (NM_001349956.3); short protein forms V170G, V213G, V201G.
Identifiers: ClinVar variation 3654764 (VCV003654764.2).

ClinVar aggregate classification (germline): Uncertain significance (1 of 4 stars; one submission).

Conditions:
Familial cancer of breast. Also called: hereditary breast carcinoma; BREAST CANCER, FAMILIAL; Hereditary breast cancer. Identifiers: Orphanet 227535, MedGen C0346153, MONDO:0016419, OMIM 114480. Disease mechanism: loss of function.

Submission:

Labcorp Genetics (formerly Invitae), Labcorp
Classification: Uncertain significance for Familial cancer of breast. Last evaluated: 2024-05-27. Review status: criteria provided, single submitter. Criteria: Invitae Variant Classification Sherloc (09022015). Collection method: clinical testing. Allele origin: germline.
Comment: This sequence change replaces valine, which is neutral and non-polar, with glycine, which is neutral and non-polar, at codon 170 of the CHEK2 protein (p.Val170Gly). This variant is not present in population databases (gnomAD no frequency). This variant has not been reported in the literature in individuals affected with CHEK2-related conditions. An algorithm developed to predict the effect of missense changes on protein structure and function (PolyPhen-2) suggests that this variant is likely to be disruptive. In summary, the available evidence is currently insufficient to determine the role of this variant in disease. Therefore, it has been classified as a Variant of Uncertain Significance.